The following is an entry in ClinVar:

NM_002692.4(POLE2):c.*5C>T

Gene: POLE2 (DNA polymerase epsilon 2, accessory subunit; minus strand). Cytogenetic location: 14q21.3.
Variant type: single nucleotide variant.
Coding change: c.*5C>T on transcript NM_002692.4 (MANE Select); 5 bases downstream of the stop codon, C replaced by T.
Molecular consequence: 3 prime UTR variant.
Genome position (GRCh38, 1-based): chr14:49,643,647, G>A on the plus strand (C>T on the coding strand, the complement: POLE2 is on the minus strand). VCF-style: chr14-49643647-G-A. GRCh37 (hg19) VCF-style: chr14-50110365-G-A.
Other names: c.*5C>T (NM_001197330.2, NM_001348384.2, NM_001348385.2).
Identifiers: ClinVar variation 3056602 (VCV003056602.3), dbSNP rs3218799, ClinGen allele CA7173193.
Genomic context (GRCh38, chr14:49,643,647, plus strand): 5'-AATCACATAAGATATAGAGTTAAGCAGAAAACTGATGAATTTTCTTCAGATGATCTTTAA[G>A]AATCTCAAAAGCCTTGAAGTTTGCTGAAAATAGAAAAAAAAATTAAATATTTGGAAACCT-3'

ClinVar aggregate classification (germline): Benign. Review status: criteria provided, single submitter (1 of 4 stars). 2 submissions from 2 submitters: Benign (1). 1 of the submissions does not count toward it. Last evaluated 2025-07-28.

Conditions:
POLE2-related disorder. Also called: POLE2-related condition.

Allele frequency attached by ClinVar (database versions not stated): 1000 Genomes Project 0.01398; TOPMed 0.02556; 1000 Genomes Project 30x 0.01421; gnomAD 0.02417; ExAC 0.02550; gnomAD exomes 0.02537; ESP Exome Variant Server 0.02321.
gnomAD v4.1: 35,213 of 1,392,724 alleles (2.5%); highest among the groups gnomAD compares: Middle Eastern, 4.6%; 524 homozygotes.

Submissions (2):

Mayo Clinic Laboratories, Mayo Clinic
Classification: Benign. Last evaluated: 2025-07-28. Review status: criteria provided, single submitter. Criteria: ACMG Guidelines, 2015. Collection method: clinical testing. Allele origin: germline. Observed: 1 variant allele.
Comment: BS1, BS2, BP4

PreventionGenetics, part of Exact Sciences
Classification: Benign for POLE2-related condition. Last evaluated: 2019-09-26. Review status: no assertion criteria provided. Collection method: clinical testing. Allele origin: germline. Not counted in ClinVar's aggregate classification.
Comment: This variant is classified as benign based on ACMG/AMP sequence variant interpretation guidelines (Richards et al. 2015 PMID: 25741868, with internal and published modifications).